The following is an entry in ClinVar:

ClinVar aggregate classification (germline): Likely pathogenic (1 of 4 stars; one submission).

Conditions:
Deficiency of aromatic-L-amino-acid decarboxylase. Also called: Aromatic L-Amino Acid Decarboxylase Deficiency; Aromatic amino acid decarboxylase deficiency; AADC DEFICIENCY; DDC DEFICIENCY; DOPA DECARBOXYLASE DEFICIENCY. Identifiers: Orphanet 35708, MedGen C1291564, MONDO:0012084, OMIM 608643.

gnomAD v4.1: 4 of 1,614,174 alleles (0.00025%); highest among the groups gnomAD compares: East Asian, 0.0045%; no homozygotes.

Submission:

Women's Health and Genetics/Laboratory Corporation of America, LabCorp
Classification: Likely pathogenic for Deficiency of aromatic-L-amino-acid decarboxylase. Last evaluated: 2025-09-17. Review status: criteria provided, single submitter. Criteria: LabCorp Variant Classification Summary - May 2015. Collection method: clinical testing. Allele origin: germline.
Comment: Variant summary: DDC c.113T>C (p.Leu38Pro) results in a non-conservative amino acid change in the encoded protein sequence. Algorithms developed to predict the effect of missense changes on protein structure and function all suggest that this variant is likely to be disruptive. The variant allele was found at a frequency of 4e-06 in 251482 control chromosomes. c.113T>C has been observed in an individual affected with Deficiency Of Aromatic-L-Amino-Acid Decarboxylase (e.g. Brun_2010). At least one publication reports experimental evidence evaluating an impact on protein function and found that the variant results in extremely low decarboxylase activity (e.g. Montioli_2014). The following publications have been ascertained in the context of this evaluation (PMID: 20505134, 36427457, 24865461). No submitters have cited clinical-significance assessments for this variant to ClinVar. Based on the evidence outlined above, the variant was classified as likely pathogenic.

Literature cited by the submitters: PubMed 24865461; PubMed 36427457; PubMed 20505134.

NM_001082971.2(DDC):c.113T>C (p.Leu38Pro)

Gene: DDC (dopa decarboxylase; minus strand). Cytogenetic location: 7p12.1.
Variant type: single nucleotide variant.
Coding change: c.113T>C on transcript NM_001082971.2 (MANE Select); coding-DNA position 113, T replaced by C.
Protein change: p.Leu38Pro; replaces leucine 38 with proline.
Molecular consequence: missense variant.
Genome position (GRCh38, 1-based): chr7:50,543,973, A>G on the plus strand (T>C on the coding strand, the complement: DDC is on the minus strand). VCF-style: chr7-50543973-A-G. GRCh37 (hg19) VCF-style: chr7-50611671-A-G.
Other names: c.113T>C, p.Leu38Pro (NM_000790.4, NM_001242886.2, NM_001242887.2 and 3 more transcripts); short protein forms L38P.
Identifiers: ClinVar variation 4536144 (VCV004536144.1).